The following is an entry in ClinVar:

NM_004849.4(ATG5):c.573+1G>T

Gene: ATG5 (autophagy related 5; minus strand). Cytogenetic location: 6q21.
Variant type: single nucleotide variant.
Coding change: c.573+1G>T on transcript NM_004849.4 (MANE Select); the canonical splice donor site of the intron after coding-DNA position 573, G replaced by T.
Molecular consequence: splice donor variant.
Genome position (GRCh38, 1-based): chr6:106,248,149, C>A on the plus strand (G>T on the coding strand, the complement: ATG5 is on the minus strand). VCF-style: chr6-106248149-C-A. GRCh37 (hg19) VCF-style: chr6-106696024-C-A.
Other names: c.203+1G>T (NM_001286111.2); c.339+1G>T (NM_001286107.2); c.569+1G>T (NM_001286108.2); c.573+1G>T (NM_001286106.2).
Identifiers: ClinVar variation 3896322 (VCV003896322.2).

ClinVar aggregate classification (germline): Uncertain significance (1 of 4 stars; one submission).

Submission:

Women's Health and Genetics/Laboratory Corporation of America, LabCorp
Classification: Uncertain significance. Last evaluated: 2025-04-11. Review status: criteria provided, single submitter. Criteria: LabCorp Variant Classification Summary - May 2015. Collection method: clinical testing. Allele origin: germline.
Comment: Variant summary: ATG5 c.573+1G>T is located in a canonical splice-site and is predicted to affect mRNA splicing resulting in a significantly altered protein due to either exon skipping, shortening, or inclusion of intronic material. Variants that disrupt the consensus splice site are a relatively common cause of aberrant splicing, however current evidence is not sufficient to establish loss of function as a mechanism for disease. Several computational tools predict a significant impact on normal splicing: Three predict the variant abolishes a canonical 5' splicing donor site. However, these predictions have yet to be confirmed by functional studies. The frequency data for this variant in gnomAD is considered unreliable, as metrics indicate poor data quality at this position. To our knowledge, no occurrence of c.573+1G>T in individuals affected with Spinocerebellar Ataxia, Autosomal Recessive 25 and no experimental evidence demonstrating its impact on protein function have been reported. No submitters have cited clinical-significance assessments for this variant to ClinVar. Based on the evidence outlined above, the variant was classified as uncertain significance.